The following is an entry in ClinVar:

ClinVar aggregate classification (germline): Conflicting classifications of pathogenicity. Review status: criteria provided, conflicting classifications (1 of 4 stars). 6 submissions from 6 submitters: Uncertain significance (5); Likely benign (1). Last evaluated 2025-12-08.

Conditions:
Hereditary cancer-predisposing syndrome. Also called: Neoplastic Syndromes, Hereditary; Hereditary Cancer Syndrome; Tumor predisposition; Hereditary neoplastic syndrome. Identifiers: Orphanet 140162, MedGen C0027672, MeSH D009386, MONDO:0015356.
Malignant tumor of urinary bladder. Also called: Bladder cancer; Urinary Bladder Neoplasms; Urinary bladder cancer. Identifiers: MedGen C0005684, MONDO:0001187, OMIM 109800.
Retinoblastoma (RB1). Also called: RETINOBLASTOMA, SOMATIC. Identifiers: Orphanet 790, MedGen C0035335, MeSH D012175, MONDO:0008380, OMIM 180200, HP:0009919. Disease mechanism: loss of function. Inheritance: Both sporadic and heritable forms are tested..

Allele frequency attached by ClinVar (database versions not stated): gnomAD exomes below 0.00001 and 0.00001; TOPMed below 0.00001; gnomAD 0.00001.
gnomAD v4.1: 18 of 1,613,060 alleles (0.0011%); highest among the groups gnomAD compares: Non-Finnish European, 0.0014%; no homozygotes.

Submissions (6):

Labcorp Genetics (formerly Invitae), Labcorp
Classification: Likely benign for Retinoblastoma. Last evaluated: 2025-12-08. Review status: criteria provided, single submitter. Criteria: Invitae Variant Classification Sherloc (09022015). Collection method: clinical testing. Allele origin: germline.

GeneDx
Classification: Uncertain significance. Last evaluated: 2025-01-02. Review status: criteria provided, single submitter. Criteria: GeneDx Variant Classification Process June 2021. Collection method: clinical testing. Allele origin: germline. Affected: yes.
Comment: Not observed at significant frequency in large population cohorts (gnomAD); In silico analysis indicates that this missense variant does not alter protein structure/function; Has not been previously published as pathogenic or benign to our knowledge; This variant is associated with the following publications: (PMID: 23516486)

Ambry Genetics
Classification: Uncertain significance for Hereditary cancer-predisposing syndrome. Last evaluated: 2024-10-15. Review status: criteria provided, single submitter. Criteria: Ambry Variant Classification Scheme 2023. Collection method: clinical testing. Allele origin: germline.
Comment: The p.D584Y variant (also known as c.1750G>T), located in coding exon 18 of the RB1 gene, results from a G to T substitution at nucleotide position 1750. The aspartic acid at codon 584 is replaced by tyrosine, an amino acid with highly dissimilar properties. This amino acid position is well conserved in available vertebrate species. In addition, this alteration is predicted to be deleterious by in silico analysis. Since supporting evidence is limited at this time, the clinical significance of this alteration remains unclear.

Color Diagnostics, LLC DBA Color Health
Classification: Uncertain significance for Retinoblastoma. Last evaluated: 2024-03-07. Review status: criteria provided, single submitter. Criteria: ACMG Guidelines, 2015. Collection method: clinical testing. Allele origin: germline.
Comment: This missense variant replaces aspartic acid with tyrosine at codon 584 of the RB1 protein. Computational prediction is inconclusive regarding the impact of this variant on protein structure and function. To our knowledge, functional studies have not been reported for this variant. This variant has not been reported in individuals affected with RB1-related disorders in the literature. This variant has been identified in 1/250988 chromosomes in the general population by the Genome Aggregation Database (gnomAD). The available evidence is insufficient to determine the role of this variant in disease conclusively. Therefore, this variant is classified as a Variant of Uncertain Significance.

All of Us Research Program, National Institutes of Health
Classification: Uncertain significance for Retinoblastoma. Last evaluated: 2023-11-30. Review status: criteria provided, single submitter. Criteria: ACMG Guidelines, 2015. Collection method: clinical testing. Allele origin: germline. Inheritance: Autosomal dominant inheritance. Observed: 2 variant alleles, 2 heterozygotes.
Comment: This missense variant replaces aspartic acid with tyrosine at codon 584 of the RB1 protein. Computational prediction is inconclusive regarding the impact of this variant on protein structure and function (internally defined REVEL score threshold 0.5 < inconclusive < 0.7, PMID: 27666373). To our knowledge, functional studies have not been reported for this variant. This variant has not been reported in individuals affected with RB1-related disorders in the literature. This variant has been identified in 1/250988 chromosomes in the general population by the Genome Aggregation Database (gnomAD). The available evidence is insufficient to determine the role of this variant in disease conclusively. Therefore, this variant is classified as a Variant of Uncertain Significance.

This study involves interpretation of variants in research participants for the purpose of population health screening. Participant phenotype was not available at the time of variant classification. Additional details can be found in publication PMID: 35346344, PMCID: PMC8962531

Baylor Genetics
Classification: Uncertain significance for Malignant tumor of urinary bladder. Last evaluated: 2023-06-23. Review status: criteria provided, single submitter. Criteria: ACMG Guidelines, 2015. Collection method: clinical testing. Allele origin: unknown.

NM_000321.3(RB1):c.1750G>T (p.Asp584Tyr)

Gene: RB1 (RB transcriptional corepressor 1; plus strand). Cytogenetic location: 13q14.2.
Variant type: single nucleotide variant.
Coding change: c.1750G>T on transcript NM_000321.3 (MANE Select); coding-DNA position 1750, G replaced by T.
Protein change: p.Asp584Tyr; replaces aspartic acid 584 with tyrosine.
Molecular consequence: missense variant.
Genome position (GRCh38, 1-based): chr13:48,453,047, G>T. VCF-style: chr13-48453047-G-T. GRCh37 (hg19) VCF-style: chr13-49027183-G-T.
Other names: short protein forms D584Y.
Identifiers: ClinVar variation 852418 (VCV000852418.13), dbSNP rs1343212063, ClinGen allele CA388165533.